The following is an entry in ClinVar:

NM_153026.3(PRICKLE1):c.1736A>G (p.Asn579Ser)

Gene: PRICKLE1 (prickle planar cell polarity protein 1; minus strand). Cytogenetic location: 12q12.
Variant type: single nucleotide variant.
Coding change: c.1736A>G on transcript NM_153026.3 (MANE Select); coding-DNA position 1736, A replaced by G.
Protein change: p.Asn579Ser; replaces asparagine 579 with serine.
Molecular consequence: missense variant.
Genome position (GRCh38, 1-based): chr12:42,460,569, T>C on the plus strand (A>G on the coding strand, the complement: PRICKLE1 is on the minus strand). VCF-style: chr12-42460569-T-C. GRCh37 (hg19) VCF-style: chr12-42854371-T-C.
Other names: c.1736A>G, p.Asn579Ser (NM_001144881.2, NM_001144882.2, NM_001144883.2); c.1736A>G (NM_153026.2); short protein forms N579S.
Identifiers: ClinVar variation 1988840 (VCV001988840.4), dbSNP rs1337094297, ClinGen allele CA384441002.

ClinVar aggregate classification (germline): Uncertain significance. Review status: criteria provided, multiple submitters, no conflicts (2 of 4 stars). 3 submissions from 3 submitters: Uncertain significance (3). Last evaluated 2024-11-13.

Conditions:
Epilepsy, progressive myoclonic, 1B. Also called: PME. Identifiers: Orphanet 308, MedGen C2676254, MONDO:0012904, OMIM 612437.

Allele frequency attached by ClinVar (database versions not stated): TOPMed below 0.00001; gnomAD 0.00001; gnomAD exomes 0.00001.
gnomAD v4.1: 9 of 1,613,980 alleles (0.00056%); highest among the groups gnomAD compares: Non-Finnish European, 0.00076%; no homozygotes.

Submissions (3):

Blueprint Genetics
Classification: Uncertain significance. Last evaluated: 2024-11-13. Review status: criteria provided, single submitter. Criteria: ACMG Guidelines, 2015. Collection method: clinical testing. Allele origin: germline.

Labcorp Genetics (formerly Invitae), Labcorp
Classification: Uncertain significance for Epilepsy, progressive myoclonic, 1B. Last evaluated: 2022-04-29. Review status: criteria provided, single submitter. Criteria: Invitae Variant Classification Sherloc (09022015). Collection method: clinical testing. Allele origin: germline.
Comment: This sequence change replaces asparagine, which is neutral and polar, with serine, which is neutral and polar, at codon 579 of the PRICKLE1 protein (p.Asn579Ser). This variant is not present in population databases (gnomAD no frequency). This variant has not been reported in the literature in individuals affected with PRICKLE1-related conditions. Algorithms developed to predict the effect of missense changes on protein structure and function (SIFT, PolyPhen-2, Align-GVGD) all suggest that this variant is likely to be disruptive. In summary, the available evidence is currently insufficient to determine the role of this variant in disease. Therefore, it has been classified as a Variant of Uncertain Significance.

Victorian Clinical Genetics Services, Murdoch Childrens Research Institute
Classification: Uncertain significance for Epilepsy, progressive myoclonic, 1B. Last evaluated: 2020-05-25. Review status: criteria provided, single submitter. Criteria: ACMG Guidelines, 2015. Collection method: clinical testing. Allele origin: germline.
Comment: Based on the classification scheme VCGS_Germline_v1.1.1, this variant is classified as VUS - 3B. Following criteria are met: 0102 - Loss-of-function is a known mechanism of disease for this gene. (N) 0108 - This gene is known to be associated with both recessive and dominant disease. (N) 0200 - Variant is predicted to result in a missense amino acid change from asparagine to serine (exon 8). (N) 0251 - Variant is heterozygous. (N) 0301 - Variant is absent from gnomAD. (P) 0502 - Missense variant with conflicting in-silico predictions and/or uninformative conservation. (N) 0604 - Variant is not located in an established domain, motif, hotspot or informative constraint region. (N) 0705 - No comparable variants have previous evidence for pathogenicity. (N) 0807 - Variant has not previously been reported in a clinical context. (N) 0905 - No segregation evidence has been identified for this variant. (N) 1007 - No published functional evidence has been identified for this variant. (N) 1208 - Inheritance information for this variant is not currently available. (N) Legend: (P) - Pathogenic, (N) - Neutral, (B) - Benign